The following is an entry in ClinVar:

NM_000059.4(BRCA2):c.691A>G (p.Ser231Gly)

Gene: BRCA2 (BRCA2 DNA repair associated; plus strand). Cytogenetic location: 13q13.1.
Variant type: single nucleotide variant.
Coding change: c.691A>G on transcript NM_000059.4 (MANE Select); coding-DNA position 691, A replaced by G.
Protein change: p.Ser231Gly; replaces serine 231 with glycine.
Molecular consequence: missense variant.
Genome position (GRCh38, 1-based): chr13:32,330,928, A>G. VCF-style: chr13-32330928-A-G. GRCh37 (hg19) VCF-style: chr13-32905065-A-G.
Other names: short protein forms S231G.
Identifiers: ClinVar variation 3482078 (VCV003482078.1).

ClinVar aggregate classification (germline): Uncertain significance (1 of 4 stars; one submission).

Conditions:
Hereditary cancer-predisposing syndrome. Also called: Tumor predisposition; Neoplastic Syndromes, Hereditary; Hereditary Cancer Syndrome; Hereditary neoplastic syndrome. Identifiers: Orphanet 140162, MedGen C0027672, MeSH D009386, MONDO:0015356.

Submission:

Ambry Genetics
Classification: Uncertain significance for Hereditary cancer-predisposing syndrome. Last evaluated: 2024-09-18. Review status: criteria provided, single submitter. Criteria: Ambry Variant Classification Scheme 2023. Collection method: clinical testing. Allele origin: germline.
Comment: The p.S231G variant (also known as c.691A>G), located in coding exon 8 of the BRCA2 gene, results from an A to G substitution at nucleotide position 691. The serine at codon 231 is replaced by glycine, an amino acid with similar properties. This amino acid position is not well conserved in available vertebrate species. In addition, this alteration is predicted to be tolerated by in silico analysis. Based on the available evidence, the clinical significance of this variant remains unclear.